The following is an entry in ClinVar:

NM_006912.6(RIT1):c.588dup (p.Ser197fs)

Gene: RIT1 (Ras like without CAAX 1; minus strand). Cytogenetic location: 1q22.
Variant type: Duplication.
Coding change: c.588dup on transcript NM_006912.6 (MANE Select); coding-DNA position 588, one base duplicated (A; older notation c.588dupA).
Protein change: p.Ser197fs; shifts the reading frame from serine 197.
Molecular consequence: frameshift variant.
Genome position (GRCh38, 1-based): chr1:155,900,460, T duplicated on the plus strand (A on the coding strand, the reverse complement: RIT1 is on the minus strand); the first of 6 consecutive T bases (chr1:155,900,460-155,900,465); duplicating any one gives the same sequence. VCF-style (leftmost placement, unchanged base first): chr1-155900459-A-AT. GRCh37 (hg19) VCF-style: chr1-155870250-A-AT.
Other names: c.480dup, p.Ser161fs (NM_001256820.2); c.639dup, p.Ser214fs (NM_001256821.2); short protein forms S197fs, S161fs, S214fs.
Identifiers: ClinVar variation 4737357 (VCV004737357.1).

ClinVar aggregate classification (germline): Uncertain significance (1 of 4 stars; one submission).

Conditions:
Noonan syndrome 8 (NS8). Identifiers: Orphanet 648, MedGen C3809233, MONDO:0014143, OMIM 615355.

Submission:

Labcorp Genetics (formerly Invitae), Labcorp
Classification: Uncertain significance for Noonan syndrome 8. Last evaluated: 2025-06-29. Review status: criteria provided, single submitter. Criteria: Invitae Variant Classification Sherloc (09022015). Collection method: clinical testing. Allele origin: germline.
Comment: This sequence change creates a premature translational stop signal (p.Ser197Ilefs*2) in the RIT1 gene. While this is not anticipated to result in nonsense mediated decay, it is expected to disrupt the last 23 amino acid(s) of the RIT1 protein. This variant is present in population databases (rs746629883, gnomAD 0.003%). This variant has not been reported in the literature in individuals affected with RIT1-related conditions. Experimental studies and prediction algorithms are not available or were not evaluated, and the functional significance of this variant is currently unknown. In summary, the available evidence is currently insufficient to determine the role of this variant in disease. Therefore, it has been classified as a Variant of Uncertain Significance.